The following is an entry in ClinVar:

ClinVar aggregate classification (germline): Likely benign (1 of 4 stars; one submission).

Conditions:
ADCY3-related disorder. Also called: ADCY3-related condition.

gnomAD v4.1: 3 of 1,614,052 alleles (0.00019%); highest among the groups gnomAD compares: African/African-American, 0.0027%; no homozygotes.

Submission:

PreventionGenetics, part of Exact Sciences
Classification: Likely benign for ADCY3-related condition. Last evaluated: 2026-06-16. Review status: criteria provided, single submitter. Criteria: ACMG Guidelines, 2015. Collection method: clinical testing. Allele origin: germline.
Comment: This variant is classified as likely benign based on ACMG/AMP sequence variant interpretation guidelines (Richards et al. 2015 PMID: 25741868, with internal and published modifications).

NM_004036.5(ADCY3):c.826-3C>T

Gene: ADCY3 (adenylate cyclase 3; minus strand). Cytogenetic location: 2p23.3.
Variant type: single nucleotide variant.
Coding change: c.826-3C>T on transcript NM_004036.5 (MANE Select); 3 bases into the intron before coding-DNA position 826, C replaced by T.
Molecular consequence: intron variant.
Genome position (GRCh38, 1-based): chr2:24,842,387, G>A on the plus strand (C>T on the coding strand, the complement: ADCY3 is on the minus strand). VCF-style: chr2-24842387-G-A. GRCh37 (hg19) VCF-style: chr2-25065256-G-A.
Other names: c.826-3C>T (NM_001377130.1, NM_001377129.1, NM_001320613.2 and 2 more transcripts); c.103-3C>T (NM_001377131.1).
Identifiers: ClinVar variation 4990769 (VCV004990769.1).